The following is an entry in ClinVar:

ClinVar aggregate classification (germline): Uncertain significance (1 of 4 stars; one submission).

gnomAD v4.1: 1 of 1,614,146 alleles (0.000062%); highest among the groups gnomAD compares: South Asian, 0.0011%; no homozygotes.

Submission:

Labcorp Genetics (formerly Invitae), Labcorp
Classification: Uncertain significance. Last evaluated: 2024-02-09. Review status: criteria provided, single submitter. Criteria: Invitae Variant Classification Sherloc (09022015). Collection method: clinical testing. Allele origin: germline.
Comment: This sequence change replaces arginine, which is basic and polar, with proline, which is neutral and non-polar, at codon 83 of the MBD4 protein (p.Arg83Pro). This variant is not present in population databases (gnomAD no frequency). This variant has not been reported in the literature in individuals affected with MBD4-related conditions. Algorithms developed to predict the effect of missense changes on protein structure and function output the following: SIFT: "Not Available"; PolyPhen-2: "Benign"; Align-GVGD: "Not Available". The proline amino acid residue is found in multiple mammalian species, which suggests that this missense change does not adversely affect protein function. In summary, the available evidence is currently insufficient to determine the role of this variant in disease. Therefore, it has been classified as a Variant of Uncertain Significance.

NM_001276270.2(MBD4):c.248G>C (p.Arg83Pro)

Gene: MBD4 (methyl-CpG binding domain 4, DNA glycosylase; minus strand). Cytogenetic location: 3q21.3.
Variant type: single nucleotide variant.
Coding change: c.248G>C on transcript NM_001276270.2 (MANE Select); coding-DNA position 248, G replaced by C.
Protein change: p.Arg83Pro; replaces arginine 83 with proline.
Molecular consequence: missense variant. On other transcripts: splice donor variant (1).
Genome position (GRCh38, 1-based): chr3:129,437,807, C>G on the plus strand (G>C on the coding strand, the complement: MBD4 is on the minus strand). VCF-style: chr3-129437807-C-G. GRCh37 (hg19) VCF-style: chr3-129156650-C-G.
Other names: c.248G>C, p.Arg83Pro (NM_001276271.2, NM_001276272.2, NM_003925.3); c.247+1G>C (NM_001276273.2); short protein forms R83P.
Identifiers: ClinVar variation 3638788 (VCV003638788.2).
Genomic context (GRCh38, chr3:129,437,807, plus strand): 5'-GCTGTCTTCCCAAATAACCTTTGCTTCACAACTCTTTCCCATCCACATGGGACAGACTTA[C>G]GGCATTCTGTTCCTGCAGTAGCACCAAACTGAGCAGAAGCGATGGGTTCTTGTAGCAAGG-3'
Protein context (NP_001263199.1, residues 73-93): QFGATAGTEC[Arg83Pro]KSVPCGWERV